The following is an entry in ClinVar:

NM_020693.4(DSCAML1):c.5108C>T (p.Ser1703Phe)

Gene: DSCAML1 (DS cell adhesion molecule like 1; minus strand). Cytogenetic location: 11q23.3.
Variant type: single nucleotide variant.
Coding change: c.5108C>T on transcript NM_020693.4 (MANE Select); coding-DNA position 5108, C replaced by T.
Protein change: p.Ser1703Phe; replaces serine 1703 with phenylalanine.
Molecular consequence: missense variant.
Genome position (GRCh38, 1-based): chr11:117,432,423, G>A on the plus strand (C>T on the coding strand, the complement: DSCAML1 is on the minus strand). VCF-style: chr11-117432423-G-A. GRCh37 (hg19) VCF-style: chr11-117303139-G-A.
Other names: short protein forms S1703F.
Identifiers: ClinVar variation 1960229 (VCV001960229.6), dbSNP rs2542972838, ClinGen allele CA382755532.

ClinVar aggregate classification (germline): Uncertain significance. Review status: criteria provided, multiple submitters, no conflicts (2 of 4 stars). 2 submissions from 2 submitters: Uncertain significance (2). Last evaluated 2023-10-16.

Allele frequency attached by ClinVar (database versions not stated): gnomAD exomes below 0.00001.
gnomAD v4.1: 6 of 1,614,180 alleles (0.00037%); highest among the groups gnomAD compares: Non-Finnish European, 0.00051%; no homozygotes.

Submissions (2):

Labcorp Genetics (formerly Invitae), Labcorp
Classification: Uncertain significance. Last evaluated: 2023-10-16. Review status: criteria provided, single submitter. Criteria: Invitae Variant Classification Sherloc (09022015). Collection method: clinical testing. Allele origin: germline.
Comment: This sequence change replaces serine, which is neutral and polar, with phenylalanine, which is neutral and non-polar, at codon 1763 of the DSCAML1 protein (p.Ser1763Phe). This variant is not present in population databases (gnomAD no frequency). This variant has not been reported in the literature in individuals affected with DSCAML1-related conditions. An algorithm developed to predict the effect of missense changes on protein structure and function (PolyPhen-2) suggests that this variant is likely to be disruptive. In summary, the available evidence is currently insufficient to determine the role of this variant in disease. Therefore, it has been classified as a Variant of Uncertain Significance.

Ambry Genetics
Classification: Uncertain significance. Last evaluated: 2021-07-20. Review status: criteria provided, single submitter. Criteria: Ambry Variant Classification Scheme 2023. Collection method: clinical testing. Allele origin: germline.